The following is an entry in ClinVar:

NM_017950.4(CCDC40):c.1687A>G (p.Thr563Ala)

Gene: CCDC40 (coiled-coil domain 40 molecular ruler complex subunit; plus strand). Cytogenetic location: 17q25.3.
Variant type: single nucleotide variant.
Coding change: c.1687A>G on transcript NM_017950.4 (MANE Select); coding-DNA position 1687, A replaced by G.
Protein change: p.Thr563Ala; replaces threonine 563 with alanine.
Molecular consequence: missense variant.
Genome position (GRCh38, 1-based): chr17:80,081,670, A>G. VCF-style: chr17-80081670-A-G. GRCh37 (hg19) VCF-style: chr17-78055469-A-G.
Other names: c.1687A>G, p.Thr563Ala (NM_001243342.2); short protein forms T563A.
Identifiers: ClinVar variation 946005 (VCV000946005.11), dbSNP rs780848862, ClinGen allele CA8813999.

ClinVar aggregate classification (germline): Conflicting classifications of pathogenicity. Review status: criteria provided, conflicting classifications (1 of 4 stars). 2 submissions from 2 submitters: Uncertain significance (1); Likely benign (1). Last evaluated 2024-09-25.

Conditions:
Primary ciliary dyskinesia. Also called: Ciliary dyskinesia. Identifiers: Orphanet 244, MedGen C0008780, MONDO:0016575, HP:0012265.

Allele frequency attached by ClinVar (database versions not stated): gnomAD exomes below 0.00001 and 0.00001; ExAC 0.00001; TOPMed 0.00001.
gnomAD v4.1: 6 of 1,614,202 alleles (0.00037%); highest among the groups gnomAD compares: Admixed American, 0.0017%; no homozygotes.

Submissions (2):

Blueprint Genetics
Classification: Likely benign. Last evaluated: 2024-09-25. Review status: criteria provided, single submitter. Criteria: ACMG Guidelines, 2015. Collection method: clinical testing. Allele origin: germline.

Labcorp Genetics (formerly Invitae), Labcorp
Classification: Uncertain significance for Primary ciliary dyskinesia. Last evaluated: 2019-08-05. Review status: criteria provided, single submitter. Criteria: Invitae Variant Classification Sherloc (09022015). Collection method: clinical testing. Allele origin: germline.
Comment: This variant has not been reported in the literature in individuals with CCDC40-related conditions. Algorithms developed to predict the effect of missense changes on protein structure and function output the following: SIFT: "Tolerated"; PolyPhen-2: "Benign"; Align-GVGD: "Class C0". The alanine amino acid residue is found in multiple mammalian species, suggesting that this missense change does not adversely affect protein function. These predictions have not been confirmed by published functional studies and their clinical significance is uncertain. This variant is present in population databases (rs780848862, ExAC 0.009%). This sequence change replaces threonine with alanine at codon 563 of the CCDC40 protein (p.Thr563Ala). The threonine residue is weakly conserved and there is a small physicochemical difference between threonine and alanine. In summary, the available evidence is currently insufficient to determine the role of this variant in disease. Therefore, it has been classified as a Variant of Uncertain Significance.